The following is an entry in ClinVar:

ClinVar aggregate classification (germline): Uncertain significance (1 of 4 stars; one submission).

Conditions:
Hereditary breast ovarian cancer syndrome. Also called: Hereditary breast and/or ovarian cancer syndrome; Hereditary breast and ovarian cancer syndrome (HBOC); Breast and ovarian cancer; Hereditary breast and ovarian cancer syndrome; Hereditary breast and ovarian cancer; BRCA1- and BRCA2-Associated Hereditary Breast and Ovarian Cancer. Identifiers: Orphanet 145, MedGen C0677776, MeSH D061325, MONDO:0003582. Disease mechanism: loss of function.

Submission:

Labcorp Genetics (formerly Invitae), Labcorp
Classification: Uncertain significance for Hereditary breast ovarian cancer syndrome. Last evaluated: 2023-12-12. Review status: criteria provided, single submitter. Criteria: Invitae Variant Classification Sherloc (09022015). Collection method: clinical testing. Allele origin: germline.
Comment: This sequence change replaces glutamic acid, which is acidic and polar, with valine, which is neutral and non-polar, at codon 1876 of the BRCA2 protein (p.Glu1876Val). This variant is not present in population databases (gnomAD no frequency). This variant has not been reported in the literature in individuals affected with BRCA2-related conditions. Advanced modeling of protein sequence and biophysical properties (such as structural, functional, and spatial information, amino acid conservation, physicochemical variation, residue mobility, and thermodynamic stability) performed at Invitae indicates that this missense variant is not expected to disrupt BRCA2 protein function with a negative predictive value of 95%. In summary, the available evidence is currently insufficient to determine the role of this variant in disease. Therefore, it has been classified as a Variant of Uncertain Significance.

NM_000059.4(BRCA2):c.5627A>T (p.Glu1876Val)

Gene: BRCA2 (BRCA2 DNA repair associated; plus strand). Cytogenetic location: 13q13.1.
Variant type: single nucleotide variant.
Coding change: c.5627A>T on transcript NM_000059.4 (MANE Select); coding-DNA position 5627, A replaced by T.
Protein change: p.Glu1876Val; replaces glutamic acid 1876 with valine.
Molecular consequence: missense variant. On other transcripts: non-coding transcript variant (1), intron variant (2).
Genome position (GRCh38, 1-based): chr13:32,339,982, A>T. VCF-style: chr13-32339982-A-T. GRCh37 (hg19) VCF-style: chr13-32914119-A-T.
Other names: c.5627A>T, p.Glu1876Val (NM_001406719.1, NM_001406720.1); c.1910-4576A>T (NM_001406721.1); c.425-4576A>T (NM_001406722.1); short protein forms E1876V.
Identifiers: ClinVar variation 2702403 (VCV002702403.3), dbSNP rs2137519300, ClinGen allele CA387786118.
Genomic context (GRCh38, chr13:32,339,982, plus strand): 5'-ATGAAACAATTAAAAAAGTGAAAGACATATTTACAGACAGTTTCAGTAAAGTAATTAAGG[A>T]AAACAACGAGAATAAATCAAAAATTTGCCAAACGAAAATTATGGCAGGTTGTTACGAGGC-3'
Protein context (NP_000050.3, residues 1866-1886): FTDSFSKVIK[Glu1876Val]NNENKSKICQ